The following is an entry in ClinVar:

ClinVar aggregate classification (germline): Uncertain significance (1 of 4 stars; one submission).

Submission:

Women's Health and Genetics/Laboratory Corporation of America, LabCorp
Classification: Uncertain significance. Last evaluated: 2024-05-16. Review status: criteria provided, single submitter. Criteria: LabCorp Variant Classification Summary - May 2015. Collection method: clinical testing. Allele origin: germline.
Comment: Variant summary: TTN c.29238_29246delGGAATATGA (p.Glu9749_Tyr9751del) results in an in-frame deletion that is predicted to remove three amino acids from the I-band region of the encoded protein. The variant allele was found at a frequency of 4e-06 in 248820 control chromosomes (gnomAD). The available data on variant occurrences in the general population are insufficient to allow any conclusion about variant significance. To our knowledge, no occurrence of c.29238_29246delGGAATATGA in individuals affected with Limb-Girdle Muscular Dystrophy, Type 2J and no experimental evidence demonstrating its impact on protein function have been reported. No submitters have cited clinical-significance assessments for this variant to ClinVar. Based on the evidence outlined above, the variant was classified as uncertain significance.

NM_001267550.2(TTN):c.32970_32978del (p.10987EEY[2])

Gene: TTN (titin; minus strand). Cytogenetic location: 2q31.2.
Variant type: Deletion.
Coding change: c.32970_32978del on transcript NM_001267550.2 (MANE Select); coding-DNA positions 32970 to 32978, 9 bases deleted (GGAATATGA; older notation c.32970_32978delGGAATATGA).
Protein change: p.10987EEY[2].
Molecular consequence: inframe deletion. On other transcripts: intron variant (3).
Genome position (GRCh38, 1-based): chr2:178,682,813-178,682,821, TCATATTCC deleted on the plus strand (GGAATATGA on the coding strand, the reverse complement: TTN is on the minus strand); deleting any 9 consecutive bases within chr2:178,682,813-178,682,829 gives the same sequence; the c. name uses the placement nearest the transcript's 3' end. VCF-style (leftmost placement, unchanged base first): chr2-178682812-TTCATATTCC-T. GRCh37 (hg19) VCF-style: chr2-179547539-TTCATATTCC-T.
Other names: c.32019_32027del, p.10670EEY[2] (NM_001256850.1); c.29238_29246del, p.9743EEY[2] (NM_133378.4); c.13283-40504_13283-40496del (NM_003319.4); c.13859-40504_13859-40496del (NM_133437.4); c.13658-40504_13658-40496del (NM_133432.3); c.29238_29246delGGAATATGA (NM_133378.4).
Identifiers: ClinVar variation 3336556 (VCV003336556.1).